The following is an entry in ClinVar:

ClinVar aggregate classification (germline): Uncertain significance (1 of 4 stars; one submission).

Conditions:
Maple syrup urine disease (MSUD). Identifiers: Orphanet 511, MedGen C0024776, MeSH D008375, MONDO:0009563. Disease mechanism: loss of function.

gnomAD v4.1: 1 of 1,614,072 alleles (0.000062%); highest among the groups gnomAD compares: South Asian, 0.0011%; no homozygotes.

Submission:

Labcorp Genetics (formerly Invitae), Labcorp
Classification: Uncertain significance for Maple syrup urine disease. Last evaluated: 2022-04-04. Review status: criteria provided, single submitter. Criteria: Invitae Variant Classification Sherloc (09022015). Collection method: clinical testing. Allele origin: germline.
Comment: In summary, the available evidence is currently insufficient to determine the role of this variant in disease. Therefore, it has been classified as a Variant of Uncertain Significance. Advanced modeling of protein sequence and biophysical properties (such as structural, functional, and spatial information, amino acid conservation, physicochemical variation, residue mobility, and thermodynamic stability) performed at Invitae indicates that this missense variant is expected to disrupt BCKDHA protein function. This variant has not been reported in the literature in individuals affected with BCKDHA-related conditions. This variant is not present in population databases (gnomAD no frequency). This sequence change replaces alanine, which is neutral and non-polar, with serine, which is neutral and polar, at codon 309 of the BCKDHA protein (p.Ala309Ser).

NM_000709.4(BCKDHA):c.925G>T (p.Ala309Ser)

Gene: BCKDHA (branched chain keto acid dehydrogenase E1 subunit alpha; plus strand). Cytogenetic location: 19q13.2.
Variant type: single nucleotide variant.
Coding change: c.925G>T on transcript NM_000709.4 (MANE Select); coding-DNA position 925, G replaced by T.
Protein change: p.Ala309Ser; replaces alanine 309 with serine.
Molecular consequence: missense variant.
Genome position (GRCh38, 1-based): chr19:41,422,700, G>T. VCF-style: chr19-41422700-G-T. GRCh37 (hg19) VCF-style: chr19-41928605-G-T.
Other names: c.922G>T, p.Ala308Ser (NM_001164783.2); short protein forms A308S, A309S.
Identifiers: ClinVar variation 1969692 (VCV001969692.5), dbSNP rs760651615, ClinGen allele CA406013408.